The following is an entry in ClinVar:

NM_006231.4(POLE):c.3329T>C (p.Leu1110Pro)

Gene: POLE (DNA polymerase epsilon, catalytic subunit; minus strand). Cytogenetic location: 12q24.33.
Variant type: single nucleotide variant.
Coding change: c.3329T>C on transcript NM_006231.4 (MANE Select); coding-DNA position 3329, T replaced by C.
Protein change: p.Leu1110Pro; replaces leucine 1110 with proline.
Molecular consequence: missense variant.
Genome position (GRCh38, 1-based): chr12:132,657,917, A>G on the plus strand (T>C on the coding strand, the complement: POLE is on the minus strand). VCF-style: chr12-132657917-A-G. GRCh37 (hg19) VCF-style: chr12-133234503-A-G.
Other names: short protein forms L1110P.
Identifiers: ClinVar variation 1389181 (VCV001389181.8), dbSNP rs2138663272, ClinGen allele CA387389679.
Genomic context (GRCh38, chr12:132,657,917, plus strand): 5'-CTGGCACTCACTGCTCGAATATCAAAGTCTTGAAGGGAAGAGCTCTTGAGCCATTTCCGG[A>G]GAAAGTGCTTCCTCACCGTGGGCTCTGCTTGGAAAATGGCAAGTGGGATGGCCCTGGGTA-3'
Protein context (NP_006222.2, residues 1100-1120): QAEPTVRKHF[Leu1110Pro]RKWLKSSSLQ

ClinVar aggregate classification (germline): Uncertain significance (1 of 4 stars; one submission).

Submission:

Labcorp Genetics (formerly Invitae), Labcorp
Classification: Uncertain significance. Last evaluated: 2021-04-21. Review status: criteria provided, single submitter. Criteria: Invitae Variant Classification Sherloc (09022015). Collection method: clinical testing. Allele origin: germline.
Comment: In summary, the available evidence is currently insufficient to determine the role of this variant in disease. Therefore, it has been classified as a Variant of Uncertain Significance. Algorithms developed to predict the effect of missense changes on protein structure and function (SIFT, PolyPhen-2, Align-GVGD) all suggest that this variant is likely to be disruptive, but these predictions have not been confirmed by published functional studies and their clinical significance is uncertain. This variant has not been reported in the literature in individuals with POLE-related conditions. This variant is not present in population databases (ExAC no frequency). This sequence change replaces leucine with proline at codon 1110 of the POLE protein (p.Leu1110Pro). The leucine residue is highly conserved and there is a moderate physicochemical difference between leucine and proline.